The following is an entry in ClinVar:

NM_005228.5(EGFR):c.1916A>C (p.Asn639Thr)

Gene: EGFR (epidermal growth factor receptor; plus strand). Cytogenetic location: 7p11.2.
Variant type: single nucleotide variant.
Coding change: c.1916A>C on transcript NM_005228.5 (MANE Select); coding-DNA position 1916, A replaced by C.
Protein change: p.Asn639Thr; replaces asparagine 639 with threonine.
Molecular consequence: missense variant.
Genome position (GRCh38, 1-based): chr7:55,171,210, A>C. VCF-style: chr7-55171210-A-C. GRCh37 (hg19) VCF-style: chr7-55238903-A-C.
Other names: c.1916A>C (NM_005228.3); c.1781A>C, p.Asn594Thr (NM_001346897.2, NM_001346899.2); c.1916A>C, p.Asn639Thr (NM_001346898.2); c.1757A>C, p.Asn586Thr (NM_001346900.2); c.1115A>C, p.Asn372Thr (NM_001346941.2); short protein forms N639T, N586T, N372T, N594T.
Identifiers: ClinVar variation 584692 (VCV000584692.12), dbSNP rs952307505, ClinGen allele CA367582310.

ClinVar aggregate classification (germline): Uncertain significance. Review status: criteria provided, multiple submitters, no conflicts (2 of 4 stars). 3 submissions from 3 submitters: Uncertain significance (3). Last evaluated 2025-01-09.

Conditions:
Hereditary cancer-predisposing syndrome. Also called: Neoplastic Syndromes, Hereditary; Hereditary Cancer Syndrome; Tumor predisposition; Hereditary neoplastic syndrome. Identifiers: Orphanet 140162, MedGen C0027672, MeSH D009386, MONDO:0015356.
EGFR-related lung cancer (EGFR). Identifiers: MedGen CN130014.
Lung carcinoma. Identifiers: MedGen C0684249, MONDO:0005138.

Submissions (3):

Ambry Genetics
Classification: Uncertain significance for Hereditary cancer-predisposing syndrome. Last evaluated: 2025-01-09. Review status: criteria provided, single submitter. Criteria: Ambry Variant Classification Scheme 2023. Collection method: clinical testing. Allele origin: germline.
Comment: The p.N639T variant (also known as c.1916A>C), located in coding exon 16 of the EGFR gene, results from an A to C substitution at nucleotide position 1916. The asparagine at codon 639 is replaced by threonine, an amino acid with similar properties. This amino acid position is conserved. In addition, this alteration is predicted to be tolerated by in silico analysis. Based on the available evidence, the clinical significance of this variant remains unclear.

Labcorp Genetics (formerly Invitae), Labcorp
Classification: Uncertain significance for EGFR-related lung cancer. Last evaluated: 2024-02-26. Review status: criteria provided, single submitter. Criteria: Invitae Variant Classification Sherloc (09022015). Collection method: clinical testing. Allele origin: germline.
Comment: This sequence change replaces asparagine, which is neutral and polar, with threonine, which is neutral and polar, at codon 639 of the EGFR protein (p.Asn639Thr). This variant is not present in population databases (gnomAD no frequency). This variant has not been reported in the literature in individuals affected with EGFR-related conditions. ClinVar contains an entry for this variant (Variation ID: 584692). Advanced modeling of protein sequence and biophysical properties (such as structural, functional, and spatial information, amino acid conservation, physicochemical variation, residue mobility, and thermodynamic stability) performed at Invitae indicates that this missense variant is not expected to disrupt EGFR protein function with a negative predictive value of 80%. In summary, the available evidence is currently insufficient to determine the role of this variant in disease. Therefore, it has been classified as a Variant of Uncertain Significance.

Mendelics
Classification: Uncertain significance for Lung cancer. Last evaluated: 2019-05-28. Review status: criteria provided, single submitter. Criteria: Mendelics Assertion Criteria 2017. Collection method: clinical testing. Allele origin: unknown.